The following is an entry in ClinVar:

NM_005263.5(GFI1):c.698A>G (p.Lys233Arg)

Gene: GFI1 (growth factor independent 1 transcriptional repressor; minus strand). Cytogenetic location: 1p22.1.
Variant type: single nucleotide variant.
Coding change: c.698A>G on transcript NM_005263.5 (MANE Select); coding-DNA position 698, A replaced by G.
Protein change: p.Lys233Arg; replaces lysine 233 with arginine.
Molecular consequence: missense variant.
Genome position (GRCh38, 1-based): chr1:92,480,689, T>C on the plus strand (A>G on the coding strand, the complement: GFI1 is on the minus strand). VCF-style: chr1-92480689-T-C. GRCh37 (hg19) VCF-style: chr1-92946246-T-C.
Other names: c.698A>G, p.Lys233Arg (NM_001127215.3, NM_001127216.3); short protein forms K233R.
Identifiers: ClinVar variation 4029403 (VCV004029403.1).

ClinVar aggregate classification (germline): Uncertain significance (1 of 4 stars; one submission).

Submission:

Ambry Genetics
Classification: Uncertain significance. Last evaluated: 2025-04-25. Review status: criteria provided, single submitter. Criteria: Ambry Variant Classification Scheme 2023. Collection method: clinical testing. Allele origin: germline.
Comment: The p.K233R variant (also known as c.698A>G), located in coding exon 3 of the GFI1 gene, results from an A to G substitution at nucleotide position 698. The lysine at codon 233 is replaced by arginine, an amino acid with highly similar properties. This amino acid position is conserved. In addition, this alteration is predicted to be tolerated by in silico analysis. Based on the available evidence, the clinical significance of this variant remains unclear.